The following is an entry in ClinVar:

NM_000022.4(ADA):c.929T>C (p.Met310Thr)

Gene: ADA (adenosine deaminase; minus strand). Cytogenetic location: 20q13.12.
Variant type: single nucleotide variant.
Coding change: c.929T>C on transcript NM_000022.4 (MANE Select); coding-DNA position 929, T replaced by C.
Protein change: p.Met310Thr; replaces methionine 310 with threonine.
Molecular consequence: missense variant. On other transcripts: non-coding transcript variant (1).
Genome position (GRCh38, 1-based): chr20:44,621,064, A>G on the plus strand (T>C on the coding strand, the complement: ADA is on the minus strand). VCF-style: chr20-44621064-A-G. GRCh37 (hg19) VCF-style: chr20-43249705-A-G.
Other names: c.524T>C, p.Met175Thr (NM_001322050.2); c.857T>C, p.Met286Thr (NM_001322051.2); short protein forms M175T, M286T, M310T.
Identifiers: ClinVar variation 4887404 (VCV004887404.1).

ClinVar aggregate classification (germline): Uncertain significance (1 of 4 stars; one submission).

Submission:

Women's Health and Genetics/Laboratory Corporation of America, LabCorp
Classification: Uncertain significance. Last evaluated: 2026-06-09. Review status: criteria provided, single submitter. Criteria: LabCorp Variant Classification Summary - May 2015. Collection method: clinical testing. Allele origin: germline.
Comment: Variant summary: ADA c.929T>C (p.Met310Thr) results in a non-conservative amino acid change in the encoded protein sequence. Algorithms developed to predict the effect of missense changes on protein structure and function are either unavailable or do not agree on the potential impact of this missense change. Sequence comparison with other vertebrate species indicates the variant is located to a moderately conserved region, where in several species a different amino acid is found at this position (e.g. PMID 29358731). The variant allele was found at a frequency of 6.2e-07 in 1607226 control chromosomes (gnomAD). The available data on variant occurrences in the general population are insufficient to allow any conclusion about variant significance. The variant, c.929T>C, has been observed in a family in two unaffected individuals, who both carried a different pathogenic variant in trans and showed 'partial' ADA deficiency in their leukocytes and erythrocytes (Ariga 2001). Publications also reported experimental evidence evaluating an impact on protein function and demonstrated that the variant results in decreased enzyme activity, but retains sufficient (group IV) enzyme activity consistent with sustaining immune function (Ariga 2001, Santisteban_2024). The following publications have been ascertained in the context of this evaluation (PMID: 11160213, 39182630, 14499267). No submitters have cited clinical-significance assessments for this variant to ClinVar. Based on the evidence outlined above, the variant was classified as VUS-possibly benign.

Literature cited by the submitters: PubMed 14499267; PubMed 11160213; PubMed 39182630.